The following is an entry in ClinVar:

NM_000256.3(MYBPC3):c.3190+1del

Gene: MYBPC3 (myosin binding protein C3; minus strand). Cytogenetic location: 11p11.2.
Variant type: Deletion.
Coding change: c.3190+1del on transcript NM_000256.3 (MANE Select); the canonical splice donor site of the intron after coding-DNA position 3190, one base deleted (G; older notation c.3190+1delG).
Molecular consequence: splice donor variant.
Genome position (GRCh38, 1-based): chr11:47,333,556, C deleted on the plus strand (G on the coding strand, the reverse complement: MYBPC3 is on the minus strand); the first of 2 consecutive C bases (chr11:47,333,556-47,333,557); deleting either gives the same sequence. VCF-style (leftmost placement, unchanged base first): chr11-47333555-AC-A. GRCh37 (hg19) VCF-style: chr11-47355106-AC-A.
Identifiers: ClinVar variation 1492081 (VCV001492081.8), dbSNP rs2142851321, ClinGen allele CA2573146369.

ClinVar aggregate classification (germline): Pathogenic (1 of 4 stars; one submission).

Conditions:
Hypertrophic cardiomyopathy. Also called: HYPERTROPHIC MYOCARDIOPATHY. Identifiers: Orphanet 217569, MedGen C0007194, MeSH D002312, MONDO:0005045, HP:0001639.

Submission:

Labcorp Genetics (formerly Invitae), Labcorp
Classification: Pathogenic for Hypertrophic cardiomyopathy. Last evaluated: 2022-09-19. Review status: criteria provided, single submitter. Criteria: Invitae Variant Classification Sherloc (09022015). Collection method: clinical testing. Allele origin: germline.
Comment: This variant is also known as c.3190+1del. This sequence change creates a premature translational stop signal (p.Asp1064Thrfs*11) in the MYBPC3 gene. It is expected to result in an absent or disrupted protein product. Loss-of-function variants in MYBPC3 are known to be pathogenic (PMID: 19574547). This variant is not present in population databases (gnomAD no frequency). This variant has not been reported in the literature in individuals affected with MYBPC3-related conditions. ClinVar contains an entry for this variant (Variation ID: 1492081). Algorithms developed to predict the effect of sequence changes on RNA splicing suggest that this variant may disrupt the consensus splice site. For these reasons, this variant has been classified as Pathogenic.

Literature cited by the submitters: PubMed 19574547.